The following is an entry in ClinVar:

NM_000222.3(KIT):c.2140T>C (p.Cys714Arg)

Gene: KIT (KIT proto-oncogene, receptor tyrosine kinase; plus strand). Cytogenetic location: 4q12.
Variant type: single nucleotide variant.
Coding change: c.2140T>C on transcript NM_000222.3 (MANE Select); coding-DNA position 2140, T replaced by C.
Protein change: p.Cys714Arg; replaces cysteine 714 with arginine.
Molecular consequence: missense variant.
Genome position (GRCh38, 1-based): chr4:54,729,484, T>C. VCF-style: chr4-54729484-T-C. GRCh37 (hg19) VCF-style: chr4-55595650-T-C.
Other names: c.2128T>C, p.Cys710Arg (NM_001093772.2, NM_001385286.1); c.2143T>C, p.Cys715Arg (NM_001385284.1, NM_001385290.1); c.2140T>C, p.Cys714Arg (NM_001385285.1); c.2131T>C, p.Cys711Arg (NM_001385288.1, NM_001385292.1); short protein forms C710R, C714R, C711R, C715R.
Identifiers: ClinVar variation 647273 (VCV000647273.11), dbSNP rs1577998219, ClinGen allele CA356909917.

ClinVar aggregate classification (germline): Uncertain significance. Review status: criteria provided, multiple submitters, no conflicts (2 of 4 stars). 2 submissions from 2 submitters: Uncertain significance (2). Last evaluated 2024-11-29.

Conditions:
Gastrointestinal stromal tumor. Also called: Gastrointestinal stromal tumor, somatic; Gastrointestinal stroma tumor. Identifiers: Orphanet 44890, MedGen C0238198, MeSH D046152, MONDO:0011719, OMIM 606764, HP:0100723.
Hereditary cancer-predisposing syndrome. Also called: Neoplastic Syndromes, Hereditary; Tumor predisposition; Hereditary Cancer Syndrome; Hereditary neoplastic syndrome. Identifiers: Orphanet 140162, MedGen C0027672, MeSH D009386, MONDO:0015356.

Submissions (2):

Labcorp Genetics (formerly Invitae), Labcorp
Classification: Uncertain significance for Gastrointestinal stromal tumor. Last evaluated: 2024-11-29. Review status: criteria provided, single submitter. Criteria: Invitae Variant Classification Sherloc (09022015). Collection method: clinical testing. Allele origin: germline.
Comment: This sequence change replaces cysteine, which is neutral and slightly polar, with arginine, which is basic and polar, at codon 714 of the KIT protein (p.Cys714Arg). This variant is not present in population databases (gnomAD no frequency). This variant has not been reported in the literature in individuals affected with KIT-related conditions. ClinVar contains an entry for this variant (Variation ID: 647273). An algorithm developed to predict the effect of missense changes on protein structure and function (PolyPhen-2) suggests that this variant is likely to be disruptive. In summary, the available evidence is currently insufficient to determine the role of this variant in disease. Therefore, it has been classified as a Variant of Uncertain Significance.

Ambry Genetics
Classification: Uncertain significance for Hereditary cancer-predisposing syndrome. Last evaluated: 2023-08-30. Review status: criteria provided, single submitter. Criteria: Ambry Variant Classification Scheme 2023. Collection method: clinical testing. Allele origin: germline.
Comment: The p.C714R variant (also known as c.2140T>C), located in coding exon 14 of the KIT gene, results from a T to C substitution at nucleotide position 2140. The cysteine at codon 714 is replaced by arginine, an amino acid with highly dissimilar properties. This amino acid position is conserved. In addition, this alteration is predicted to be tolerated by in silico analysis. Since supporting evidence is limited at this time, the clinical significance of this alteration remains unclear.